The following is an entry in ClinVar:

NM_001256789.3(CACNA1F):c.1958T>A (p.Phe653Tyr)

Gene: CACNA1F (calcium voltage-gated channel subunit alpha1 F; minus strand). Cytogenetic location: Xp11.23.
Variant type: single nucleotide variant.
Coding change: c.1958T>A on transcript NM_001256789.3 (MANE Select); coding-DNA position 1958, T replaced by A.
Protein change: p.Phe653Tyr; replaces phenylalanine 653 with tyrosine.
Molecular consequence: missense variant.
Genome position (GRCh38, 1-based): chrX:49,223,056, A>T on the plus strand (T>A on the coding strand, the complement: CACNA1F is on the minus strand). VCF-style: chrX-49223056-A-T. GRCh37 (hg19) VCF-style: chrX-49079515-A-T.
Other names: c.1796T>A, p.Phe599Tyr (NM_001256790.3); c.1991T>A, p.Phe664Tyr (NM_005183.4); short protein forms F599Y, F653Y, F664Y.
Identifiers: ClinVar variation 3668134 (VCV003668134.2).

ClinVar aggregate classification (germline): Uncertain significance (1 of 4 stars; one submission).

Submission:

Labcorp Genetics (formerly Invitae), Labcorp
Classification: Uncertain significance. Last evaluated: 2024-10-23. Review status: criteria provided, single submitter. Criteria: Invitae Variant Classification Sherloc (09022015). Collection method: clinical testing. Allele origin: germline.
Comment: This sequence change replaces phenylalanine, which is neutral and non-polar, with tyrosine, which is neutral and polar, at codon 664 of the CACNA1F protein (p.Phe664Tyr). This variant is not present in population databases (gnomAD no frequency). This variant has not been reported in the literature in individuals affected with CACNA1F-related conditions. Invitae Evidence Modeling of protein sequence and biophysical properties (such as structural, functional, and spatial information, amino acid conservation, physicochemical variation, residue mobility, and thermodynamic stability) indicates that this missense variant is expected to disrupt CACNA1F protein function with a positive predictive value of 80%. In summary, the available evidence is currently insufficient to determine the role of this variant in disease. Therefore, it has been classified as a Variant of Uncertain Significance.